The following is an entry in ClinVar:

ClinVar aggregate classification (germline): Conflicting classifications of pathogenicity. Review status: criteria provided, conflicting classifications (1 of 4 stars). 2 submissions from 2 submitters: Uncertain significance (1); Benign (1). Last evaluated 2024-09-22.

Conditions:
Hereditary cancer-predisposing syndrome. Also called: Hereditary neoplastic syndrome; Neoplastic Syndromes, Hereditary; Hereditary Cancer Syndrome; Tumor predisposition. Identifiers: Orphanet 140162, MedGen C0027672, MeSH D009386, MONDO:0015356.
Gorlin syndrome. Also called: Nevoid Basal Cell Carcinoma Syndrome; Basal cell nevus syndrome. Identifiers: Orphanet 377, MedGen C0004779, MONDO:0007187.

Allele frequency attached by ClinVar (database versions not stated): ExAC 0.00001; gnomAD exomes 0.00001.
gnomAD v4.1: 9 of 1,612,266 alleles (0.00056%); highest among the groups gnomAD compares: South Asian, 0.0088%; 1 homozygote.

Submissions (2):

Labcorp Genetics (formerly Invitae), Labcorp
Classification: Benign for Gorlin syndrome. Last evaluated: 2024-09-22. Review status: criteria provided, single submitter. Criteria: Invitae Variant Classification Sherloc (09022015). Collection method: clinical testing. Allele origin: germline.

Ambry Genetics
Classification: Uncertain significance for Hereditary cancer-predisposing syndrome. Last evaluated: 2024-01-11. Review status: criteria provided, single submitter. Criteria: Ambry Variant Classification Scheme 2023. Collection method: clinical testing. Allele origin: germline.
Comment: The p.V125M variant (also known as c.373G>A), located in coding exon 2 of the PTCH1 gene, results from a G to A substitution at nucleotide position 373. The valine at codon 125 is replaced by methionine, an amino acid with highly similar properties. This amino acid position is highly conserved in available vertebrate species. In addition, this alteration is predicted to be deleterious by in silico analysis. Since supporting evidence is limited at this time, the clinical significance of this alteration remains unclear.

NM_000264.5(PTCH1):c.373G>A (p.Val125Met)

Gene: PTCH1 (patched 1; minus strand). Cytogenetic location: 9q22.32.
Variant type: single nucleotide variant.
Coding change: c.373G>A on transcript NM_000264.5 (MANE Select); coding-DNA position 373, G replaced by A.
Protein change: p.Val125Met; replaces valine 125 with methionine.
Molecular consequence: missense variant. On other transcripts: 5 prime UTR variant (4), non-coding transcript variant (1).
Genome position (GRCh38, 1-based): chr9:95,506,428, C>T on the plus strand (G>A on the coding strand, the complement: PTCH1 is on the minus strand). VCF-style: chr9-95506428-C-T. GRCh37 (hg19) VCF-style: chr9-98268710-C-T.
Other names: c.175G>A, p.Val59Met (NM_001083602.3, NM_001354919.2); c.370G>A, p.Val124Met (NM_001083603.3); c.-81G>A (NM_001083604.3, NM_001083605.3, NM_001083606.3 and 1 more transcripts); c.373G>A, p.Val125Met (NM_001354918.2); short protein forms V124M, V125M, V59M.
Identifiers: ClinVar variation 1415003 (VCV001415003.8), dbSNP rs760253622, ClinGen allele CA5138976.